The following is an entry in ClinVar:

NM_000264.5(PTCH1):c.1728+5G>A

Gene: PTCH1 (patched 1; minus strand). Cytogenetic location: 9q22.32.
Variant type: single nucleotide variant.
Coding change: c.1728+5G>A on transcript NM_000264.5 (MANE Select); 5 bases into the intron after coding-DNA position 1728, G replaced by A.
Molecular consequence: intron variant.
Genome position (GRCh38, 1-based): chr9:95,476,029, C>T on the plus strand (G>A on the coding strand, the complement: PTCH1 is on the minus strand). VCF-style: chr9-95476029-C-T. GRCh37 (hg19) VCF-style: chr9-98238311-C-T.
Other names: c.1725+5G>A (NM_001083603.3); c.1530+5G>A (NM_001083602.3); c.1572+5G>A (NM_001354918.2); c.1275+5G>A (NM_001083605.3, NM_001083604.3, NM_001083606.3 and 1 more transcripts).
Identifiers: ClinVar variation 2564353 (VCV002564353.2), dbSNP rs2118247726, ClinGen allele CA2580616242.

ClinVar aggregate classification (germline): Uncertain significance (1 of 4 stars; one submission).

Conditions:
Hereditary cancer-predisposing syndrome. Also called: Neoplastic Syndromes, Hereditary; Hereditary Cancer Syndrome; Hereditary neoplastic syndrome; Tumor predisposition. Identifiers: Orphanet 140162, MedGen C0027672, MeSH D009386, MONDO:0015356.

Submission:

Ambry Genetics
Classification: Uncertain significance for Hereditary cancer-predisposing syndrome. Last evaluated: 2023-03-28. Review status: criteria provided, single submitter. Criteria: Ambry Variant Classification Scheme 2023. Collection method: clinical testing. Allele origin: germline.
Comment: The c.1728+5G>A intronic variant results from a G to A substitution 5 nucleotides after coding exon 12 in the PTCH1 gene. This nucleotide position is highly conserved in available vertebrate species. In silico splice site analysis for this alteration is inconclusive. Since supporting evidence is limited at this time, the clinical significance of this alteration remains unclear.